The following is an entry in ClinVar:

ClinVar aggregate classification (germline): Uncertain significance (1 of 4 stars; one submission).

gnomAD v4.1: 4 of 1,613,774 alleles (0.00025%); highest among the groups gnomAD compares: Admixed American, 0.0033%; no homozygotes.

Submission:

Labcorp Genetics (formerly Invitae), Labcorp
Classification: Uncertain significance. Last evaluated: 2025-08-03. Review status: criteria provided, single submitter. Criteria: Invitae Variant Classification Sherloc (09022015). Collection method: clinical testing. Allele origin: germline.
Comment: This sequence change replaces lysine, which is basic and polar, with asparagine, which is neutral and polar, at codon 268 of the MESP1 protein (p.Lys268Asn). This variant is present in population databases (no rsID available, gnomAD 0.003%). This missense change has been observed in individual(s) with MESP1-related conditions (PMID: 26694203). Algorithms developed to predict the effect of variants on gene product structure and function are not available or were not evaluated for this variant. Experimental studies have shown that this missense change does not substantially affect MESP1 function (PMID: 26694203). In summary, the available evidence is currently insufficient to determine the role of this variant in disease. Therefore, it has been classified as a Variant of Uncertain Significance.

Literature cited by the submitters: PubMed 26694203.

NM_018670.4(MESP1):c.804G>C (p.Lys268Asn)

Gene: MESP1 (mesoderm posterior bHLH transcription factor 1; minus strand). Cytogenetic location: 15q26.1.
Variant type: single nucleotide variant.
Coding change: c.804G>C on transcript NM_018670.4 (MANE Select); coding-DNA position 804, G replaced by C.
Protein change: p.Lys268Asn; replaces lysine 268 with asparagine.
Molecular consequence: missense variant.
Genome position (GRCh38, 1-based): chr15:89,750,147, C>G on the plus strand (G>C on the coding strand, the complement: MESP1 is on the minus strand). VCF-style: chr15-89750147-C-G. GRCh37 (hg19) VCF-style: chr15-90293378-C-G.
Other names: short protein forms K268N.
Identifiers: ClinVar variation 4690645 (VCV004690645.1).